The following is an entry in ClinVar:

NM_005529.7(HSPG2):c.4985G>A (p.Ser1662Asn)

Gene: HSPG2 (heparan sulfate proteoglycan 2; minus strand). Cytogenetic location: 1p36.12.
Variant type: single nucleotide variant.
Coding change: c.4985G>A on transcript NM_005529.7 (MANE Select); coding-DNA position 4985, G replaced by A.
Protein change: p.Ser1662Asn; replaces serine 1662 with asparagine.
Molecular consequence: missense variant.
Genome position (GRCh38, 1-based): chr1:21,860,206, C>T on the plus strand (G>A on the coding strand, the complement: HSPG2 is on the minus strand). VCF-style: chr1-21860206-C-T. GRCh37 (hg19) VCF-style: chr1-22186699-C-T.
Other names: c.4988G>A, p.Ser1663Asn (NM_001291860.2); short protein forms S1662N, S1663N.
Identifiers: ClinVar variation 1896922 (VCV001896922.5), dbSNP rs2550706044, ClinGen allele CA338948196.

ClinVar aggregate classification (germline): Uncertain significance (1 of 4 stars; one submission).

gnomAD v4.1: 1 of 1,613,804 alleles (0.000062%); highest among the groups gnomAD compares: Non-Finnish European, 0.000085%; no homozygotes.

Submission:

Labcorp Genetics (formerly Invitae), Labcorp
Classification: Uncertain significance. Last evaluated: 2023-08-24. Review status: criteria provided, single submitter. Criteria: Invitae Variant Classification Sherloc (09022015). Collection method: clinical testing. Allele origin: germline.
Comment: This sequence change replaces serine, which is neutral and polar, with asparagine, which is neutral and polar, at codon 1662 of the HSPG2 protein (p.Ser1662Asn). This variant is not present in population databases (gnomAD no frequency). This variant has not been reported in the literature in individuals affected with HSPG2-related conditions. ClinVar contains an entry for this variant (Variation ID: 1896922). Algorithms developed to predict the effect of missense changes on protein structure and function output the following: SIFT: "Not Available"; PolyPhen-2: "Benign"; Align-GVGD: "Not Available". The asparagine amino acid residue is found in multiple mammalian species, which suggests that this missense change does not adversely affect protein function. In summary, the available evidence is currently insufficient to determine the role of this variant in disease. Therefore, it has been classified as a Variant of Uncertain Significance.